The following is an entry in ClinVar:

ClinVar aggregate classification (germline): Uncertain significance. Review status: criteria provided, multiple submitters, no conflicts (2 of 4 stars). 3 submissions from 3 submitters: Uncertain significance (3). Last evaluated 2025-09-09.

Conditions:
Inborn genetic diseases. Identifiers: MedGen C0950123, MeSH D030342.

Allele frequency attached by ClinVar (database versions not stated): ExAC 0.00001; gnomAD exomes 0.00001 and 0.00002; TOPMed 0.00001.
gnomAD v4.1: 30 of 1,613,806 alleles (0.0019%); highest among the groups gnomAD compares: Non-Finnish European, 0.0025%; no homozygotes.

Submissions (3):

Ambry Genetics
Classification: Uncertain significance for Inborn genetic diseases. Last evaluated: 2025-09-09. Review status: criteria provided, single submitter. Criteria: Ambry Variant Classification Scheme 2023. Collection method: clinical testing. Allele origin: germline.

Labcorp Genetics (formerly Invitae), Labcorp
Classification: Uncertain significance. Last evaluated: 2023-07-07. Review status: criteria provided, single submitter. Criteria: Invitae Variant Classification Sherloc (09022015). Collection method: clinical testing. Allele origin: germline.
Comment: Advanced modeling of protein sequence and biophysical properties (such as structural, functional, and spatial information, amino acid conservation, physicochemical variation, residue mobility, and thermodynamic stability) performed at Invitae indicates that this missense variant is not expected to disrupt ITPR1 protein function. In summary, the available evidence is currently insufficient to determine the role of this variant in disease. Therefore, it has been classified as a Variant of Uncertain Significance. ClinVar contains an entry for this variant (Variation ID: 1361559). This variant has not been reported in the literature in individuals affected with ITPR1-related conditions. This variant is present in population databases (rs777204180, gnomAD 0.002%). This sequence change replaces glycine, which is neutral and non-polar, with aspartic acid, which is acidic and polar, at codon 939 of the ITPR1 protein (p.Gly939Asp).

GeneDx
Classification: Uncertain significance. Last evaluated: 2023-06-11. Review status: criteria provided, single submitter. Criteria: GeneDx Variant Classification Process June 2021. Collection method: clinical testing. Allele origin: germline. Affected: yes.
Comment: In silico analysis supports that this missense variant does not alter protein structure/function; Has not been previously published as pathogenic or benign to our knowledge

NM_001378452.1(ITPR1):c.2888G>A (p.Gly963Asp)

Gene: ITPR1 (inositol 1,4,5-trisphosphate receptor type 1; plus strand). Cytogenetic location: 3p26.1.
Variant type: single nucleotide variant.
Coding change: c.2888G>A on transcript NM_001378452.1 (MANE Select); coding-DNA position 2888, G replaced by A.
Protein change: p.Gly963Asp; replaces glycine 963 with aspartic acid.
Molecular consequence: missense variant.
Genome position (GRCh38, 1-based): chr3:4,676,722, G>A. VCF-style: chr3-4676722-G-A. GRCh37 (hg19) VCF-style: chr3-4718406-G-A.
Other names: c.2816G>A (NM_002222.5); c.2861G>A, p.Gly954Asp (NM_001099952.4); c.2843G>A, p.Gly948Asp (NM_001168272.2); c.2816G>A, p.Gly939Asp (NM_002222.7); short protein forms G948D, G963D, G954D, G939D.
Identifiers: ClinVar variation 1361559 (VCV001361559.8), dbSNP rs777204180, ClinGen allele CA2231544.